The following is an entry in ClinVar:

NM_006372.5(SYNCRIP):c.149-1G>A

Gene: SYNCRIP (synaptotagmin binding cytoplasmic RNA interacting protein; minus strand). Cytogenetic location: 6q14.3.
Variant type: single nucleotide variant.
Coding change: c.149-1G>A on transcript NM_006372.5 (MANE Select); the canonical splice acceptor site of the intron before coding-DNA position 149, G replaced by A.
Molecular consequence: splice acceptor variant.
Genome position (GRCh38, 1-based): chr6:85,640,565, C>T on the plus strand (G>A on the coding strand, the complement: SYNCRIP is on the minus strand). VCF-style: chr6-85640565-C-T. GRCh37 (hg19) VCF-style: chr6-86350283-C-T.
Other names: c.149-1G>A (NM_001439160.1, NM_001439161.1, NM_001159674.2 and 5 more transcripts); c.-282-1G>A (NM_001253771.2); c.-146-1G>A (NM_001159673.2, NM_001439159.1, NM_001410938.1).
Identifiers: ClinVar variation 5009239 (VCV005009239.1).

ClinVar aggregate classification (germline): Uncertain significance (1 of 4 stars; one submission).

Submission:

GeneDx
Classification: Uncertain significance. Last evaluated: 2026-03-19. Review status: criteria provided, single submitter. Criteria: GeneDx Variant Classification Process June 2021. Collection method: clinical testing. Allele origin: germline.
Comment: Not observed at significant frequency in large population cohorts (gnomAD); Canonical splice site variant in a gene or region of a gene for which loss of function is not a well-established mechanism of disease; Has not been previously published as pathogenic or benign to our knowledge; Reported using an alternate transcript of the gene